The following is an entry in ClinVar:

ClinVar aggregate classification (germline): Likely pathogenic (1 of 4 stars; one submission).

Conditions:
Gastrointestinal stromal tumor. Also called: Gastrointestinal stromal tumor, somatic; Gastrointestinal stroma tumor. Identifiers: Orphanet 44890, MedGen C0238198, MeSH D046152, MONDO:0011719, OMIM 606764, HP:0100723.

Submission:

Labcorp Genetics (formerly Invitae), Labcorp
Classification: Likely pathogenic for Gastrointestinal stromal tumor. Last evaluated: 2018-11-23. Review status: criteria provided, single submitter. Criteria: Invitae Variant Classification Sherloc (09022015). Collection method: clinical testing. Allele origin: germline.
Comment: In summary, the currently available evidence indicates that the variant is pathogenic, but additional data are needed to prove that conclusively. Therefore, this variant has been classified as Likely Pathogenic. Donor and acceptor splice site variants typically lead to a loss of protein function (PMID: 16199547), and loss-of-function variants in KIT are known to be pathogenic (PMID: 15194144). Algorithms developed to predict the effect of sequence changes on RNA splicing suggest that this variant may disrupt the consensus splice site, but this prediction has not been confirmed by published transcriptional studies. This variant has not been reported in the literature in individuals with KIT-related conditions. This variant is not present in population databases (ExAC no frequency). This sequence change affects an acceptor splice site in intron 16 of the KIT gene. It is expected to disrupt RNA splicing and likely results in an absent or disrupted protein product.

Literature cited by the submitters: PubMed 16199547; PubMed 15194144.

NM_000222.3(KIT):c.2362-1G>A

Gene: KIT (KIT proto-oncogene, receptor tyrosine kinase; plus strand). Cytogenetic location: 4q12.
Variant type: single nucleotide variant.
Coding change: c.2362-1G>A on transcript NM_000222.3 (MANE Select); the canonical splice acceptor site of the intron before coding-DNA position 2362, G replaced by A.
Molecular consequence: splice acceptor variant.
Genome position (GRCh38, 1-based): chr4:54,733,069, G>A. VCF-style: chr4-54733069-G-A. GRCh37 (hg19) VCF-style: chr4-55599235-G-A.
Other names: c.2365-1G>A (NM_001385284.1); c.2362-1G>A (NM_001385290.1); c.2353-1G>A (NM_001385288.1); c.2350-1G>A (NM_001385292.1, NM_001093772.2); c.2359-1G>A (NM_001385285.1); c.2347-1G>A (NM_001385286.1).
Identifiers: ClinVar variation 664383 (VCV000664383.7), dbSNP rs1578003055, ClinGen allele CA356911319.